The following is an entry in ClinVar:

NM_002292.4(LAMB2):c.283C>A (p.Arg95Ser)

Gene: LAMB2 (laminin subunit beta 2; minus strand). Cytogenetic location: 3p21.31.
Variant type: single nucleotide variant.
Coding change: c.283C>A on transcript NM_002292.4 (MANE Select); coding-DNA position 283, C replaced by A.
Protein change: p.Arg95Ser; replaces arginine 95 with serine.
Molecular consequence: missense variant.
Genome position (GRCh38, 1-based): chr3:49,132,372, G>T on the plus strand (C>A on the coding strand, the complement: LAMB2 is on the minus strand). VCF-style: chr3-49132372-G-T. GRCh37 (hg19) VCF-style: chr3-49169805-G-T.
Other names: short protein forms R95S.
Identifiers: ClinVar variation 2150153 (VCV002150153.4), dbSNP rs1054116554, ClinGen allele CA352755113.
Genomic context (GRCh38, chr3:49,132,372, plus strand): 5'-AGCTGGTGACTACATTCTGGATGCGATGGCTGTGTGGGTTGTCTCTAGCAGAGAAGGGGC[G>T]CCGGGAGTCACAAAGGAAGCACTTCTTTTCGTCCTGGGTTGGATGGGGATTAGAATCAGT-3'
Protein context (NP_002283.3, residues 85-105): EKKCFLCDSR[Arg95Ser]PFSARDNPHS

ClinVar aggregate classification (germline): Uncertain significance (1 of 4 stars; one submission).

Conditions:
Pierson syndrome. Also called: MICROCORIA-CONGENITAL NEPHROTIC SYNDROME. Identifiers: Orphanet 2670, MedGen C1836876, MONDO:0012184, OMIM 609049.
LAMB2-related infantile-onset nephrotic syndrome. Also called: Nephrotic Syndrome, type 5; NEPHROTIC SYNDROME, TYPE 5, WITHOUT OCULAR ABNORMALITIES; NEPHROTIC SYNDROME, TYPE 5, WITH OCULAR ABNORMALITIES. Identifiers: Orphanet 306507, MedGen C3280113, MONDO:0013621, OMIM 614199.

gnomAD v4.1: 2 of 1,614,110 alleles (0.00012%); highest among the groups gnomAD compares: African/African-American, 0.0013%; no homozygotes.

Submission:

Labcorp Genetics (formerly Invitae), Labcorp
Classification: Uncertain significance for LAMB2-related infantile-onset nephrotic syndrome; Pierson syndrome. Last evaluated: 2022-08-16. Review status: criteria provided, single submitter. Criteria: Invitae Variant Classification Sherloc (09022015). Collection method: clinical testing. Allele origin: germline.
Comment: In summary, the available evidence is currently insufficient to determine the role of this variant in disease. Therefore, it has been classified as a Variant of Uncertain Significance. This variant is present in population databases (no rsID available, gnomAD 0.01%). Algorithms developed to predict the effect of sequence changes on RNA splicing suggest that this variant may disrupt the consensus splice site. Algorithms developed to predict the effect of missense changes on protein structure and function (SIFT, PolyPhen-2, Align-GVGD) all suggest that this variant is likely to be tolerated. This variant has not been reported in the literature in individuals affected with LAMB2-related conditions. This sequence change replaces arginine, which is basic and polar, with serine, which is neutral and polar, at codon 95 of the LAMB2 protein (p.Arg95Ser).